The following is an entry in ClinVar:

NM_181458.4(PAX3):c.1151T>C (p.Ile384Thr)

Genes: PAX3 (paired box 3; minus strand), LOC126806529 (CDK7 strongly-dependent group 2 enhancer GRCh37_chr2:223084735-223085934; plus strand). Cytogenetic location: 2q36.1.
Variant type: single nucleotide variant.
Coding change: c.1151T>C on transcript NM_181458.4 (MANE Select); coding-DNA position 1151, T replaced by C.
Protein change: p.Ile384Thr; replaces isoleucine 384 with threonine.
Molecular consequence: missense variant.
Genome position (GRCh38, 1-based): chr2:222,220,162, A>G on the plus strand (T>C on the coding strand, the complement: PAX3 is on the minus strand). VCF-style: chr2-222220162-A-G. GRCh37 (hg19) VCF-style: chr2-223084881-A-G.
Other names: c.1148T>C, p.Ile383Thr (NM_001127366.3); c.1151T>C, p.Ile384Thr (NM_181457.4, NM_181459.4, NM_181460.4 and 1 more transcripts); short protein forms I383T, I384T.
Identifiers: ClinVar variation 1310730 (VCV001310730.11), dbSNP rs139806736, ClinGen allele CA2135487.

ClinVar aggregate classification (germline): Uncertain significance. Review status: criteria provided, multiple submitters, no conflicts (2 of 4 stars). 4 submissions from 4 submitters: Uncertain significance (4). Last evaluated 2025-09-30.

Conditions:
PAX3-related disorder. Also called: PAX3-related condition.
Inborn genetic diseases. Identifiers: MedGen C0950123, MeSH D030342.

Allele frequency attached by ClinVar (database versions not stated): gnomAD exomes 0.00010 and 0.00011; ExAC 0.00011; TOPMed 0.00014; gnomAD 0.00015 and 0.00016; 1000 Genomes Project 0.00020; 1000 Genomes Project 30x 0.00031; ESP Exome Variant Server 0.00038.
gnomAD v4.1: 181 of 1,613,800 alleles (0.011%); highest among the groups gnomAD compares: Non-Finnish European, 0.013%; no homozygotes.

Submissions (4):

PreventionGenetics, part of Exact Sciences
Classification: Uncertain significance for PAX3-related condition. Last evaluated: 2025-09-30. Review status: criteria provided, single submitter. Criteria: ACMG Guidelines, 2015. Collection method: clinical testing. Allele origin: germline.
Comment: The PAX3 c.1151T>C variant is predicted to result in the amino acid substitution p.Ile384Thr. To our knowledge, this variant has not been reported in the literature. This variant is reported in 0.016% of alleles in individuals of European (Non-Finnish) descent in gnomAD. At this time, the clinical significance of this variant is uncertain due to the absence of conclusive functional and genetic evidence.

GeneDx
Classification: Uncertain significance. Last evaluated: 2025-03-27. Review status: criteria provided, single submitter. Criteria: GeneDx Variant Classification Process June 2021. Collection method: clinical testing. Allele origin: germline. Affected: yes.
Comment: Has not been previously published as pathogenic or benign to our knowledge; In silico analysis indicates that this missense variant does not alter protein structure/function

Labcorp Genetics (formerly Invitae), Labcorp
Classification: Uncertain significance. Last evaluated: 2024-07-19. Review status: criteria provided, single submitter. Criteria: Invitae Variant Classification Sherloc (09022015). Collection method: clinical testing. Allele origin: germline.
Comment: This sequence change replaces isoleucine, which is neutral and non-polar, with threonine, which is neutral and polar, at codon 384 of the PAX3 protein (p.Ile384Thr). This variant is present in population databases (rs139806736, gnomAD 0.02%). This variant has not been reported in the literature in individuals affected with PAX3-related conditions. ClinVar contains an entry for this variant (Variation ID: 1310730). Advanced modeling of protein sequence and biophysical properties (such as structural, functional, and spatial information, amino acid conservation, physicochemical variation, residue mobility, and thermodynamic stability) performed at Invitae indicates that this missense variant is not expected to disrupt PAX3 protein function with a negative predictive value of 95%. In summary, the available evidence is currently insufficient to determine the role of this variant in disease. Therefore, it has been classified as a Variant of Uncertain Significance.

Ambry Genetics
Classification: Uncertain significance for Inborn genetic diseases. Last evaluated: 2024-01-04. Review status: criteria provided, single submitter. Criteria: Ambry Variant Classification Scheme 2023. Collection method: clinical testing. Allele origin: germline.